The following is an entry in ClinVar:

NM_007294.4(BRCA1):c.1140del (p.Val382fs)

Gene: BRCA1 (BRCA1 DNA repair associated; minus strand). Cytogenetic location: 17q21.31.
Variant type: Deletion.
Coding change: c.1140del on transcript NM_007294.4 (MANE Select); coding-DNA position 1140, one base deleted (G; older notation c.1140delG).
Protein change: p.Val382fs; shifts the reading frame from valine 382.
Molecular consequence: frameshift variant. On other transcripts: intron variant (137).
Genome position (GRCh38, 1-based): chr17:43,094,391, C deleted on the plus strand (G on the coding strand, the reverse complement: BRCA1 is on the minus strand). VCF-style (leftmost placement, unchanged base first): chr17-43094390-TC-T. GRCh37 (hg19) VCF-style: chr17-41246407-TC-T.
Other names: 1259delG; c.927del, p.Val311fs (NM_001407571.1, NM_001407853.1, NM_001407894.1 and 9 more transcripts); c.1140del, p.Val382fs (NM_001407581.1, NM_001407582.1, NM_001407583.1 and 30 more transcripts); c.1137del, p.Val381fs (NM_001407587.1, NM_001407590.1, NM_001407591.1 and 22 more transcripts); c.1131del, p.Val379fs (NM_001407646.1, NM_001407647.1); c.1017del, p.Val341fs (NM_001407648.1, NM_001407664.1, NM_001407665.1 and 19 more transcripts); c.1014del, p.Val340fs (NM_001407649.1, NM_001407670.1, NM_001407671.1 and 11 more transcripts); c.1062del, p.Val356fs (NM_001407653.1, NM_001407654.1, NM_001407655.1 and 4 more transcripts); and 42 more; short protein forms V382fs, V335fs, V270fs, V293fs, V312fs, V340fs, V356fs, V271fs.
Identifiers: ClinVar variation 266139 (VCV000266139.6), dbSNP rs886039929, ClinGen allele CA10589965.

ClinVar aggregate classification (germline): Pathogenic. Review status: reviewed by expert panel (3 of 4 stars). 2 submissions from 2 submitters: Pathogenic (1). 1 of the submissions does not count toward it. Last evaluated 2016-10-18.

Conditions:
Breast-ovarian cancer, familial, susceptibility to, 1 (BROVCA1). Also called: BRCA1 Hereditary Breast and Ovarian Cancer; OVARIAN CANCER, SUSCEPTIBILITY TO. Identifiers: Orphanet 145, MedGen C2676676, MONDO:0011450, OMIM 604370. Disease mechanism: loss of function.

Submissions (2):

Evidence-based Network for the Interpretation of Germline Mutant Alleles (ENIGMA)
Classification: Pathogenic for Breast-ovarian cancer, familial, susceptibility to, 1. Last evaluated: 2016-10-18. Review status: reviewed by expert panel. Criteria: ENIGMA BRCA1/2 Classification Criteria (2015). Collection method: curation. Allele origin: germline.
Comment: Variant allele predicted to encode a truncated non-functional protein.

Consortium of Investigators of Modifiers of BRCA1/2 (CIMBA), c/o University of Cambridge
Classification: Pathogenic for Breast-ovarian cancer, familial, susceptibility to, 1. Last evaluated: 2015-10-02. Review status: criteria provided, single submitter. Criteria: CIMBA Mutation Classification guidelines May 2016. Collection method: clinical testing. Allele origin: germline. Not counted in ClinVar's aggregate classification.